The following is an entry in ClinVar:

NM_000038.6(APC):c.531T>C (p.Asn177=)

Gene: APC (APC regulator of Wnt signaling pathway; plus strand). Cytogenetic location: 5q22.2.
Variant type: single nucleotide variant.
Coding change: c.531T>C on transcript NM_000038.6 (MANE Select); coding-DNA position 531, T replaced by C.
Protein change: p.Asn177=; no amino-acid change (asparagine 177 retained).
Molecular consequence: synonymous variant. On other transcripts: 5 prime UTR variant (1).
Genome position (GRCh38, 1-based): chr5:112,775,737, T>C. VCF-style: chr5-112775737-T-C. GRCh37 (hg19) VCF-style: chr5-112111434-T-C.
Other names: c.531T>C, p.Asn177= (NM_001127510.3, NM_001354895.2, NM_001354896.2 and 2 more transcripts); c.561T>C, p.Asn187= (NM_001127511.3, NM_001354897.2, NM_001354902.2); c.456T>C, p.Asn152= (NM_001354898.2, NM_001354904.2); c.354T>C, p.Asn118= (NM_001354900.2, NM_001354901.2, NM_001354905.2); c.-505T>C (NM_001354906.2).
Identifiers: ClinVar variation 1017874 (VCV001017874.13), dbSNP rs1234730026, ClinGen allele CA445753084.
Genomic context (GRCh38, chr5:112,775,737, plus strand): 5'-GTATTACGCTCAACTTCAGAATCTCACTAAAAGAATAGATAGTCTTCCTTTAACTGAAAA[T>C]GTAAGTAACTTGGCAGTACAACTTATTTGAAACTTTAATAACTTGATATTTTAAAGTACC-3'
Protein context (NP_000029.2, residues 167-187): KRIDSLPLTE[Asn177=]FSLQTDMTRR

ClinVar aggregate classification (germline): Conflicting classifications of pathogenicity. Review status: criteria provided, conflicting classifications (1 of 4 stars). 3 submissions from 3 submitters: Uncertain significance (1); Likely benign (2). Last evaluated 2024-12-02.

Conditions:
Classic or attenuated familial adenomatous polyposis. Identifiers: MedGen CN372698, MONDO:0021057.
Hereditary cancer-predisposing syndrome. Also called: Tumor predisposition; Neoplastic Syndromes, Hereditary; Hereditary neoplastic syndrome; Hereditary Cancer Syndrome. Identifiers: Orphanet 140162, MedGen C0027672, MeSH D009386, MONDO:0015356.
Familial adenomatous polyposis 1 (FAP1). Also called: POLYPOSIS, ADENOMATOUS INTESTINAL; FAMILIAL ADENOMATOUS POLYPOSIS 1, ATTENUATED. Identifiers: MedGen C2713442, MONDO:0021056, OMIM 175100. Disease mechanism: loss of function.

Allele frequency attached by ClinVar (database versions not stated): gnomAD exomes below 0.00001 and 0.00001.
gnomAD v4.1: 2 of 1,511,590 alleles (0.00013%); highest among the groups gnomAD compares: South Asian, 0.0012%; no homozygotes.

Submissions (3):

Labcorp Genetics (formerly Invitae), Labcorp
Classification: Uncertain significance for Familial adenomatous polyposis 1. Last evaluated: 2024-12-02. Review status: criteria provided, single submitter. Criteria: Invitae Variant Classification Sherloc (09022015). Collection method: clinical testing. Allele origin: germline.
Comment: This sequence change affects codon 177 of the APC mRNA. It is a 'silent' change, meaning that it does not change the encoded amino acid sequence of the APC protein. It affects a nucleotide within the consensus splice site. This variant is present in population databases (no rsID available, gnomAD 0.004%). This variant has not been reported in the literature in individuals affected with APC-related conditions. ClinVar contains an entry for this variant (Variation ID: 1017874). Algorithms developed to predict the effect of sequence changes on RNA splicing suggest that this variant is not likely to affect RNA splicing. In summary, the available evidence is currently insufficient to determine the role of this variant in disease. Therefore, it has been classified as a Variant of Uncertain Significance.

All of Us Research Program, National Institutes of Health
Classification: Likely benign for Classic or attenuated familial adenomatous polyposis. Last evaluated: 2023-03-09. Review status: criteria provided, single submitter. Criteria: ACMG Guidelines, 2015. Collection method: clinical testing. Allele origin: germline. Inheritance: Autosomal dominant inheritance. Observed: 1 variant allele, 1 heterozygote.
Comment: This study involves interpretation of variants in research participants for the purpose of population health screening. Participant phenotype was not available at the time of variant classification. Additional details can be found in publication PMID: 35346344, PMCID: PMC8962531

Ambry Genetics
Classification: Likely benign for Hereditary cancer-predisposing syndrome. Last evaluated: 2020-01-25. Review status: criteria provided, single submitter. Criteria: Ambry Variant Classification Scheme 2023. Collection method: clinical testing. Allele origin: germline.